The following is an entry in ClinVar:

NM_020964.3(EPG5):c.2719-4A>G

Gene: EPG5 (ectopic P-granules 5 autophagy tethering factor; minus strand). Cytogenetic location: 18q21.1.
Variant type: single nucleotide variant.
Coding change: c.2719-4A>G on transcript NM_020964.3 (MANE Select); 4 bases into the intron before coding-DNA position 2719, A replaced by G.
Molecular consequence: intron variant.
Genome position (GRCh38, 1-based): chr18:45,923,391, T>C on the plus strand (A>G on the coding strand, the complement: EPG5 is on the minus strand). VCF-style: chr18-45923391-T-C. GRCh37 (hg19) VCF-style: chr18-43503357-T-C.
Identifiers: ClinVar variation 2068476 (VCV002068476.1), dbSNP rs1217841497, ClinGen allele CA779733104.

ClinVar aggregate classification (germline): Uncertain significance (1 of 4 stars; one submission).

Conditions:
Vici syndrome (VICIS). Identifiers: Orphanet 1493, MedGen C1855772, MONDO:0009452, OMIM 242840.

Allele frequency attached by ClinVar (database versions not stated): TOPMed 0.00002.

Submission:

Labcorp Genetics (formerly Invitae), Labcorp
Classification: Uncertain significance for Vici syndrome. Last evaluated: 2022-02-13. Review status: criteria provided, single submitter. Criteria: Invitae Variant Classification Sherloc (09022015). Collection method: clinical testing. Allele origin: germline.
Comment: This sequence change falls in intron 14 of the EPG5 gene. It does not directly change the encoded amino acid sequence of the EPG5 protein. This variant is not present in population databases (gnomAD no frequency). This variant has not been reported in the literature in individuals affected with EPG5-related conditions. Algorithms developed to predict the effect of sequence changes on RNA splicing suggest that this variant may disrupt the consensus splice site. In summary, the available evidence is currently insufficient to determine the role of this variant in disease. Therefore, it has been classified as a Variant of Uncertain Significance.